The following is an entry in ClinVar:

NM_022356.4(P3H1):c.1406C>T (p.Ser469Phe)

Gene: P3H1 (prolyl 3-hydroxylase 1; minus strand). Cytogenetic location: 1p34.2.
Variant type: single nucleotide variant.
Coding change: c.1406C>T on transcript NM_022356.4 (MANE Select); coding-DNA position 1406, C replaced by T.
Protein change: p.Ser469Phe; replaces serine 469 with phenylalanine.
Molecular consequence: missense variant.
Genome position (GRCh38, 1-based): chr1:42,752,604, G>A on the plus strand (C>T on the coding strand, the complement: P3H1 is on the minus strand). VCF-style: chr1-42752604-G-A. GRCh37 (hg19) VCF-style: chr1-43218275-G-A.
Other names: c.1406C>T, p.Ser469Phe (NM_001146289.2, NM_001243246.2); short protein forms S469F.
Identifiers: ClinVar variation 1429038 (VCV001429038.6), dbSNP rs2124110566, ClinGen allele CA339956246.

ClinVar aggregate classification (germline): Uncertain significance (1 of 4 stars; one submission).

Conditions:
Osteogenesis imperfecta type 8 (OI8). Identifiers: MedGen C1970458, MONDO:0012581, OMIM 610915.

Allele frequency attached by ClinVar (database versions not stated): gnomAD exomes below 0.00001.
gnomAD v4.1: 1 of 1,614,182 alleles (0.000062%); highest among the groups gnomAD compares: Non-Finnish European, 0.000085%; no homozygotes.

Submission:

Labcorp Genetics (formerly Invitae), Labcorp
Classification: Uncertain significance for Osteogenesis imperfecta type 8. Last evaluated: 2021-11-12. Review status: criteria provided, single submitter. Criteria: Invitae Variant Classification Sherloc (09022015). Collection method: clinical testing. Allele origin: germline.
Comment: In summary, the available evidence is currently insufficient to determine the role of this variant in disease. Therefore, it has been classified as a Variant of Uncertain Significance. Algorithms developed to predict the effect of missense changes on protein structure and function are either unavailable or do not agree on the potential impact of this missense change (SIFT: "Deleterious"; PolyPhen-2: "Probably Damaging"; Align-GVGD: "Class C0"). This variant has not been reported in the literature in individuals affected with P3H1-related conditions. This variant is not present in population databases (gnomAD no frequency). This sequence change replaces serine, which is neutral and polar, with phenylalanine, which is neutral and non-polar, at codon 469 of the P3H1 protein (p.Ser469Phe).